The following is an entry in ClinVar:

ClinVar aggregate classification (germline): Uncertain significance. Review status: criteria provided, single submitter (1 of 4 stars). 2 submissions from 2 submitters: Uncertain significance (1). 1 of the submissions does not count toward it. Last evaluated 2022-09-22.

Conditions:
GNPTG-mucolipidosis. Also called: MUCOLIPIDOSIS III, COMPLEMENTATION GROUP C; MUCOLIPIDOSIS III, IRANIAN VARIANT FORM; MUCOLIPIDOSIS III, VARIANT FORM; ML III GAMMA; ML IIIC; Mucolipidosis type III gamma. Identifiers: Orphanet 423470, Orphanet 577, MedGen C1854896, MONDO:0009652, OMIM 252605.

Allele frequency attached by ClinVar (database versions not stated): gnomAD 0.00002 and 0.00003; gnomAD exomes 0.00002 and 0.00006; ExAC 0.00003; TOPMed 0.00003; 1000 Genomes Project 0.00020.

Submissions (2):

Labcorp Genetics (formerly Invitae), Labcorp
Classification: Uncertain significance. Last evaluated: 2022-09-22. Review status: criteria provided, single submitter. Criteria: Invitae Variant Classification Sherloc (09022015). Collection method: clinical testing. Allele origin: germline.
Comment: This sequence change replaces threonine, which is neutral and polar, with methionine, which is neutral and non-polar, at codon 78 of the GNPTG protein (p.Thr78Met). This variant is present in population databases (rs200507633, gnomAD 0.06%). This variant has not been reported in the literature in individuals affected with GNPTG-related conditions. ClinVar contains an entry for this variant (Variation ID: 965433). Algorithms developed to predict the effect of missense changes on protein structure and function output the following: SIFT: "Deleterious"; PolyPhen-2: "Benign"; Align-GVGD: "Class C0". The methionine amino acid residue is found in multiple mammalian species, which suggests that this missense change does not adversely affect protein function. Algorithms developed to predict the effect of sequence changes on RNA splicing suggest that this variant may disrupt the consensus splice site. In summary, the available evidence is currently insufficient to determine the role of this variant in disease. Therefore, it has been classified as a Variant of Uncertain Significance.

Natera, Inc.
Classification: Uncertain significance for Mucolipidosis III gamma. Last evaluated: 2020-01-24. Review status: no assertion criteria provided. Collection method: clinical testing. Allele origin: germline. Not counted in ClinVar's aggregate classification.

NM_032520.5(GNPTG):c.233C>T (p.Thr78Met)

Gene: GNPTG (N-acetylglucosamine-1-phosphate transferase subunit gamma; plus strand). Cytogenetic location: 16p13.3.
Variant type: single nucleotide variant.
Coding change: c.233C>T on transcript NM_032520.5 (MANE Select); coding-DNA position 233, C replaced by T.
Protein change: p.Thr78Met; replaces threonine 78 with methionine.
Molecular consequence: missense variant.
Genome position (GRCh38, 1-based): chr16:1,361,797, C>T. VCF-style: chr16-1361797-C-T. GRCh37 (hg19) VCF-style: chr16-1411798-C-T.
Other names: short protein forms T78M.
Identifiers: ClinVar variation 965433 (VCV000965433.4), dbSNP rs200507633, ClinGen allele CA7807531.